The following is an entry in ClinVar:

NM_000399.5(EGR2):c.*288G>A

Gene: EGR2 (early growth response 2; minus strand). Cytogenetic location: 10q21.3.
Variant type: single nucleotide variant.
Coding change: c.*288G>A on transcript NM_000399.5 (MANE Select); 288 bases downstream of the stop codon, G replaced by A.
Molecular consequence: 3 prime UTR variant.
Genome position (GRCh38, 1-based): chr10:62,812,919, C>T on the plus strand (G>A on the coding strand, the complement: EGR2 is on the minus strand). VCF-style: chr10-62812919-C-T. GRCh37 (hg19) VCF-style: chr10-64572679-C-T.
Other names: c.*288G>A (NM_001136177.3, NM_001136178.2, NM_001136179.3 and 1 more transcripts).
Identifiers: ClinVar variation 300272 (VCV000300272.8), dbSNP rs117395928, ClinGen allele CA10636009.
Genomic context (GRCh38, chr10:62,812,919, plus strand): 5'-GTGATGGGTCAAAATAAGGGGAAGTGGGGTAGCAAAACCTAGTCAAACAACCCTTTAAAG[C>T]AGGGTCAGACCTCAGCCCTCTTGGCCAGGGGTCCCCACACCACCTCCTTCTGAGCCTCCC-3'

ClinVar aggregate classification (germline): Benign/Likely benign. Review status: criteria provided, multiple submitters, no conflicts (2 of 4 stars). 3 submissions from 3 submitters: Benign (1); Likely benign (2). Last evaluated 2018-06-19.

Conditions:
Charcot-Marie-Tooth disease type 1D. Also called: CHARCOT-MARIE-TOOTH NEUROPATHY, TYPE 1D; HEREDITARY MOTOR AND SENSORY NEUROPATHY 1D; HMSN ID; Charcot-Marie-Tooth disease, demyelinating, type 1d. Identifiers: Orphanet 101084, MedGen C1843247, MONDO:0011890, OMIM 607678.

Allele frequency attached by ClinVar (database versions not stated): 1000 Genomes Project 30x 0.00437; gnomAD 0.00745 and 0.00758; 1000 Genomes Project 0.00399; TOPMed 0.00701.
gnomAD v4.1: 2,806 of 335,248 alleles (0.84%); highest among the groups gnomAD compares: Non-Finnish European, 1.2%; 18 homozygotes.

Submissions (3):

GeneDx
Classification: Likely benign. Last evaluated: 2018-06-19. Review status: criteria provided, single submitter. Criteria: GeneDx Variant Classification Process June 2021. Collection method: clinical testing. Allele origin: germline. Affected: yes.

Illumina Laboratory Services, Illumina
Classification: Benign for Charcot-Marie-Tooth disease type 1D. Last evaluated: 2018-01-13. Review status: criteria provided, single submitter. Criteria: ICSL Variant Classification Criteria 13 December 2019. Collection method: clinical testing. Allele origin: germline.
Comment: This variant was observed in the ICSL laboratory as part of a predisposition screen in an ostensibly healthy population. It had not been previously curated by ICSL or reported in the Human Gene Mutation Database (HGMD: prior to June 1st, 2018), and was therefore a candidate for classification through an automated scoring system. Utilizing variant allele frequency, disease prevalence and penetrance estimates, and inheritance mode, an automated score was calculated to assess if this variant is too frequent to cause the disease. Based on the score and internal cut-off values, a variant classified as benign is not then subjected to further curation. The score for this variant resulted in a classification of benign for this disease.

Breakthrough Genomics
Classification: Likely benign. Review status: criteria provided, single submitter. Criteria: ACMG Guidelines, 2015. Collection method: not provided. Allele origin: germline. Inheritance: Autosomal recessive inheritance. Affected: yes.